The following is an entry in ClinVar:

NM_198075.4(LRRC56):c.35G>A (p.Arg12Gln)

Gene: LRRC56 (leucine rich repeat containing 56; plus strand). Cytogenetic location: 11p15.5.
Variant type: single nucleotide variant.
Coding change: c.35G>A on transcript NM_198075.4 (MANE Select); coding-DNA position 35, G replaced by A.
Protein change: p.Arg12Gln; replaces arginine 12 with glutamine.
Molecular consequence: missense variant.
Genome position (GRCh38, 1-based): chr11:540,719, G>A. VCF-style: chr11-540719-G-A. GRCh37 (hg19) VCF-style: chr11-540719-G-A.
Other names: c.35G>A (NM_198075.3); short protein forms R12Q.
Identifiers: ClinVar variation 1598826 (VCV001598826.12), dbSNP rs2277269, ClinGen allele CA5779472.

ClinVar aggregate classification (germline): Benign. Review status: criteria provided, multiple submitters, no conflicts (2 of 4 stars). 4 submissions from 4 submitters: Benign (3). 1 of the submissions does not count toward it. Last evaluated 2026-02-02.

Conditions:
Ciliary dyskinesia, primary, 39. Also called: CILIARY DYSKINESIA, PRIMARY, 39, WITH OR WITHOUT SITUS INVERSUS. Identifiers: MedGen C4748841, MONDO:0032637, OMIM 618254.
LRRC56-related disorder. Also called: LRRC56-related condition.

Allele frequency attached by ClinVar (database versions not stated): ESP Exome Variant Server 0.00077; ExAC 0.00921; gnomAD exomes 0.01039; gnomAD 0.00533 and 0.00550; 1000 Genomes Project 0.00879; 1000 Genomes Project 30x 0.00874.
gnomAD v4.1: 5,850 of 1,612,636 alleles (0.36%); highest among the groups gnomAD compares: Admixed American, 3.1%; 94 homozygotes.

Submissions (4):

Labcorp Genetics (formerly Invitae), Labcorp
Classification: Benign. Last evaluated: 2026-02-02. Review status: criteria provided, single submitter. Criteria: Invitae Variant Classification Sherloc (09022015). Collection method: clinical testing. Allele origin: germline.

Fulgent Genetics
Classification: Benign for Ciliary dyskinesia, primary, 39. Last evaluated: 2021-10-07. Review status: criteria provided, single submitter. Criteria: ACMG Guidelines, 2015. Collection method: clinical testing. Allele origin: unknown.

Breakthrough Genomics
Classification: Benign. Review status: criteria provided, single submitter. Criteria: ACMG Guidelines, 2015. Collection method: not provided. Allele origin: germline. Inheritance: Autosomal recessive inheritance. Affected: yes.

PreventionGenetics, part of Exact Sciences
Classification: Benign for LRRC56-related condition. Last evaluated: 2024-05-17. Review status: no assertion criteria provided. Collection method: clinical testing. Allele origin: germline. Not counted in ClinVar's aggregate classification.
Comment: This variant is classified as benign based on ACMG/AMP sequence variant interpretation guidelines (Richards et al. 2015 PMID: 25741868, with internal and published modifications).